The following is an entry in ClinVar:

ClinVar aggregate classification (germline): Uncertain significance. Review status: criteria provided, multiple submitters, no conflicts (2 of 4 stars). 2 submissions from 2 submitters: Uncertain significance (2). Last evaluated 2026-09-01.

Conditions:
DST-related disorder. Also called: DST-related condition; DST-related disorders.
Hereditary sensory and autonomic neuropathy type 6. Also called: HSAN VI; Neuropathy, hereditary sensory and autonomic, type VI. Identifiers: Orphanet 314381, MedGen C3539003, MONDO:0013839, OMIM 614653.
Epidermolysis bullosa simplex 3, localized or generalized intermediate, with BP230 deficiency (EBS3). Also called: Epidermolysis bullosa simplex, autosomal recessive 2; Epidermolysis bullosa simplex due to BP230 deficiency. Identifiers: Orphanet 412181, MedGen C3809470, MONDO:0014180, OMIM 615425.

Allele frequency attached by ClinVar (database versions not stated): TOPMed below 0.00001.
gnomAD v4.1: 34 of 1,613,892 alleles (0.0021%); highest among the groups gnomAD compares: Non-Finnish European, 0.0028%; no homozygotes.

Submissions (2):

PreventionGenetics, part of Exact Sciences
Classification: Uncertain significance for DST-related condition. Last evaluated: 2026-09-01. Review status: criteria provided, single submitter. Criteria: ACMG Guidelines, 2015. Collection method: clinical testing. Allele origin: germline.
Comment: The DST c.2462G>C variant is predicted to result in the amino acid substitution p.Arg821Pro. To our knowledge, this variant has not been reported in the literature. This variant is reported in 0.00088% of alleles in individuals of European (Non-Finnish) descent in gnomAD. At this time, the clinical significance of this variant is uncertain due to the absence of conclusive functional and genetic evidence.

Labcorp Genetics (formerly Invitae), Labcorp
Classification: Uncertain significance for Epidermolysis bullosa simplex 3, localized or generalized intermediate, with BP230 deficiency; Hereditary sensory and autonomic neuropathy type 6. Last evaluated: 2024-05-06. Review status: criteria provided, single submitter. Criteria: Invitae Variant Classification Sherloc (09022015). Collection method: clinical testing. Allele origin: germline.
Comment: This sequence change replaces arginine, which is basic and polar, with proline, which is neutral and non-polar, at codon 821 of the DST protein (p.Arg821Pro). This variant is present in population databases (no rsID available, gnomAD 0.0009%). This variant has not been reported in the literature in individuals affected with DST-related conditions. ClinVar contains an entry for this variant (Variation ID: 2196928). An algorithm developed to predict the effect of missense changes on protein structure and function (PolyPhen-2) suggests that this variant is likely to be disruptive. In summary, the available evidence is currently insufficient to determine the role of this variant in disease. Therefore, it has been classified as a Variant of Uncertain Significance.

NM_001374736.1(DST):c.4073G>C (p.Arg1358Pro)

Gene: DST (dystonin; minus strand). Cytogenetic location: 6p12.1.
Variant type: single nucleotide variant.
Coding change: c.4073G>C on transcript NM_001374736.1 (MANE Select); coding-DNA position 4073, G replaced by C.
Protein change: p.Arg1358Pro; replaces arginine 1358 with proline.
Molecular consequence: missense variant.
Genome position (GRCh38, 1-based): chr6:56,631,280, C>G on the plus strand (G>C on the coding strand, the complement: DST is on the minus strand). VCF-style: chr6-56631280-C-G. GRCh37 (hg19) VCF-style: chr6-56496078-C-G.
Other names: c.3974G>C, p.Arg1325Pro (NM_001144769.5); c.3560G>C, p.Arg1187Pro (NM_001144770.2); c.4073G>C, p.Arg1358Pro (NM_001374722.1); c.3440G>C, p.Arg1147Pro (NM_001374729.1, NM_001374730.1, NM_001386100.1 and 1 more transcripts); c.4100G>C, p.Arg1367Pro (NM_001374734.1); c.2462G>C, p.Arg821Pro (NM_001723.7, NM_015548.5); c.2462G>C (NM_001723.5); short protein forms R1325P, R821P, R1147P, R1187P, R1358P, R1367P.
Identifiers: ClinVar variation 2196928 (VCV002196928.5), dbSNP rs756823864, ClinGen allele CA139215671.